The following is an entry in ClinVar:

NM_001267550.2(TTN):c.5109A>G (p.Pro1703=)

Gene: TTN (titin; minus strand). Cytogenetic location: 2q31.2.
Variant type: single nucleotide variant.
Coding change: c.5109A>G on transcript NM_001267550.2 (MANE Select); coding-DNA position 5109, A replaced by G.
Protein change: p.Pro1703=; no amino-acid change (proline 1703 retained).
Molecular consequence: synonymous variant.
Genome position (GRCh38, 1-based): chr2:178,776,755, T>C on the plus strand (A>G on the coding strand, the complement: TTN is on the minus strand). VCF-style: chr2-178776755-T-C. GRCh37 (hg19) VCF-style: chr2-179641482-T-C.
Other names: c.4971A>G, p.Pro1657= (NM_003319.4, NM_133432.3, NM_133437.4); c.5109A>G, p.Pro1703= (NM_133378.4, NM_133379.5, NM_001256850.1).
Identifiers: ClinVar variation 509369 (VCV000509369.12), dbSNP rs781287476, ClinGen allele CA2005220.

ClinVar aggregate classification (germline): Likely benign. Review status: criteria provided, multiple submitters, no conflicts (2 of 4 stars). 3 submissions from 3 submitters: Likely benign (3). Last evaluated 2024-09-04.

Conditions:
Dilated cardiomyopathy 1G (CMD1G). Identifiers: Orphanet 154, MedGen C1858763, MONDO:0011400, OMIM 604145.
Autosomal recessive limb-girdle muscular dystrophy type 2J (LGMDR10). Also called: Limb-girdle muscular dystrophy, type 2J; MUSCULAR DYSTROPHY, LIMB-GIRDLE, AUTOSOMAL RECESSIVE 10. Identifiers: Orphanet 140922, MedGen C1837342, MONDO:0012127, OMIM 608807.
Cardiovascular phenotype. Identifiers: MedGen CN230736.

Allele frequency attached by ClinVar (database versions not stated): gnomAD exomes below 0.00001 and 0.00002; ExAC 0.00001; gnomAD 0.00001; TOPMed 0.00001.
gnomAD v4.1: 40 of 1,613,972 alleles (0.0025%); highest among the groups gnomAD compares: Non-Finnish European, 0.0031%; no homozygotes.

Submissions (3):

Labcorp Genetics (formerly Invitae), Labcorp
Classification: Likely benign for Dilated cardiomyopathy 1G; Autosomal recessive limb-girdle muscular dystrophy type 2J. Last evaluated: 2024-09-04. Review status: criteria provided, single submitter. Criteria: Invitae Variant Classification Sherloc (09022015). Collection method: clinical testing. Allele origin: germline.

Ambry Genetics
Classification: Likely benign for Cardiovascular phenotype. Last evaluated: 2020-03-16. Review status: criteria provided, single submitter. Criteria: Ambry Variant Classification Scheme 2023. Collection method: clinical testing. Allele origin: germline.

GeneDx
Classification: Likely benign. Last evaluated: 2017-05-01. Review status: criteria provided, single submitter. Criteria: GeneDx Variant Classification (06012015). Collection method: clinical testing. Allele origin: germline. Affected: yes.
Comment: This variant is considered likely benign or benign based on one or more of the following criteria: it is a conservative change, it occurs at a poorly conserved position in the protein, it is predicted to be benign by multiple in silico algorithms, and/or has population frequency not consistent with disease.